The following is an entry in ClinVar:

NM_014974.3(DIP2C):c.3758G>A (p.Arg1253Gln)

Gene: DIP2C (DIP2 acetate--CoA ligase C (putative); minus strand). Cytogenetic location: 10p15.3.
Variant type: single nucleotide variant.
Coding change: c.3758G>A on transcript NM_014974.3 (MANE Select); coding-DNA position 3758, G replaced by A.
Protein change: p.Arg1253Gln; replaces arginine 1253 with glutamine.
Molecular consequence: missense variant.
Genome position (GRCh38, 1-based): chr10:327,172, C>T on the plus strand (G>A on the coding strand, the complement: DIP2C is on the minus strand). VCF-style: chr10-327172-C-T. GRCh37 (hg19) VCF-style: chr10-373112-C-T.
Other names: short protein forms R1253Q.
Identifiers: ClinVar variation 4706783 (VCV004706783.1).

ClinVar aggregate classification (germline): Uncertain significance (1 of 4 stars; one submission).

gnomAD v4.1: 4 of 1,613,138 alleles (0.00025%); highest among the groups gnomAD compares: Non-Finnish European, 0.00017%; no homozygotes.

Submission:

Labcorp Genetics (formerly Invitae), Labcorp
Classification: Uncertain significance. Last evaluated: 2025-11-01. Review status: criteria provided, single submitter. Criteria: Invitae Variant Classification Sherloc (09022015). Collection method: clinical testing. Allele origin: germline.
Comment: This sequence change replaces arginine, which is basic and polar, with glutamine, which is neutral and polar, at codon 1253 of the DIP2C protein (p.Arg1253Gln). The frequency data for this variant in the population databases is considered unreliable, as metrics indicate poor data quality at this position in the gnomAD database. This variant has not been reported in the literature in individuals affected with DIP2C-related conditions. An algorithm developed to predict the effect of missense changes on protein structure and function (PolyPhen-2) suggests that this variant is likely to be disruptive. In summary, the available evidence is currently insufficient to determine the role of this variant in disease. Therefore, it has been classified as a Variant of Uncertain Significance.